The following is an entry in ClinVar:

NM_000256.3(MYBPC3):c.2219G>C (p.Gly740Ala)

Gene: MYBPC3 (myosin binding protein C3; minus strand). Cytogenetic location: 11p11.2.
Variant type: single nucleotide variant.
Coding change: c.2219G>C on transcript NM_000256.3 (MANE Select); coding-DNA position 2219, G replaced by C.
Protein change: p.Gly740Ala; replaces glycine 740 with alanine.
Molecular consequence: missense variant.
Genome position (GRCh38, 1-based): chr11:47,338,609, C>G on the plus strand (G>C on the coding strand, the complement: MYBPC3 is on the minus strand). VCF-style: chr11-47338609-C-G. GRCh37 (hg19) VCF-style: chr11-47360160-C-G.
Other names: short protein forms G740A.
Identifiers: ClinVar variation 3068608 (VCV003068608.1), dbSNP rs1283718652, ClinGen allele CA380320388.

ClinVar aggregate classification (germline): Uncertain significance (1 of 4 stars; one submission).

Conditions:
Hypertrophic cardiomyopathy. Also called: HYPERTROPHIC MYOCARDIOPATHY. Identifiers: Orphanet 217569, MedGen C0007194, MeSH D002312, MONDO:0005045, HP:0001639.

Allele frequency attached by ClinVar (database versions not stated): gnomAD exomes 0.00002.
gnomAD v4.1: 25 of 1,613,980 alleles (0.0015%); highest among the groups gnomAD compares: Non-Finnish European, 0.0021%; no homozygotes.

Submission:

Molecular Genetics, Royal Melbourne Hospital
Classification: Uncertain significance for Hypertrophic cardiomyopathy. Last evaluated: 2024-03-01. Review status: criteria provided, single submitter. Criteria: ACMG Guidelines, 2015. Collection method: clinical testing. Allele origin: germline. Inheritance: Autosomal dominant inheritance. Affected: yes.
Comment: This sequence change in MYBPC3 is predicted to replace glycine with alanine at codon 740, p.(Gly740Ala). The glycine residue is highly conserved (100 vertebrates, Multiz Alignments), and is located in the Ig-like C2-type 5 domain. There is a moderate physicochemical difference between glycine and alanine. The highest population minor allele frequency in the population database gnomAD v4.0 is 0.002% (25/1,111,866 alleles) in the European (non-Finnish) population, which is consistent with hypertrophic cardiomyopathy (HCM). This variant has been reported in at least two individuals with HCM and a sudden infant death syndrome case (PMID: 27532257, 37589201). Computational evidence is uninformative for the missense substitution (REVEL = 0.425). Based on the classification scheme RMH Modified ACMG/AMP Guidelines v1.6.1, this variant is classified as a VARIANT OF UNCERTAIN SIGNIFICANCE. Following criteria are met: PM2_Supporting, PS4_Supporting.

Literature cited by the submitters: PubMed 27532257; PubMed 37589201.